The following is an entry in ClinVar:

ClinVar aggregate classification (germline): Uncertain significance (1 of 4 stars; one submission).

Conditions:
Ehlers-Danlos syndrome, classic type, 1 (EDSCL1). Also called: EHLERS-DANLOS SYNDROME, GRAVIS TYPE; EHLERS-DANLOS SYNDROME, SEVERE CLASSIC TYPE; Ehlers-Danlos syndrome, type 1; Ehlers-Danlos Syndrome, Classic Type, COL5A1-Related; EDS I. Identifiers: MedGen C0268335, MONDO:0019567, OMIM 130000.

Submission:

Labcorp Genetics (formerly Invitae), Labcorp
Classification: Uncertain significance for Ehlers-Danlos syndrome, classic type, 1. Last evaluated: 2023-11-07. Review status: criteria provided, single submitter. Criteria: Invitae Variant Classification Sherloc (09022015). Collection method: clinical testing. Allele origin: germline.
Comment: This sequence change replaces glutamic acid, which is acidic and polar, with alanine, which is neutral and non-polar, at codon 484 of the COL5A2 protein (p.Glu484Ala). This variant is not present in population databases (gnomAD no frequency). This variant has not been reported in the literature in individuals affected with COL5A2-related conditions. Advanced modeling of protein sequence and biophysical properties (such as structural, functional, and spatial information, amino acid conservation, physicochemical variation, residue mobility, and thermodynamic stability) performed at Invitae indicates that this missense variant is not expected to disrupt COL5A2 protein function with a negative predictive value of 80%. In summary, the available evidence is currently insufficient to determine the role of this variant in disease. Therefore, it has been classified as a Variant of Uncertain Significance.

NM_000393.5(COL5A2):c.1451A>C (p.Glu484Ala)

Gene: COL5A2 (collagen type V alpha 2 chain; minus strand). Cytogenetic location: 2q32.2.
Variant type: single nucleotide variant.
Coding change: c.1451A>C on transcript NM_000393.5 (MANE Select); coding-DNA position 1451, A replaced by C.
Protein change: p.Glu484Ala; replaces glutamic acid 484 with alanine.
Molecular consequence: missense variant.
Genome position (GRCh38, 1-based): chr2:189,066,733, T>G on the plus strand (A>C on the coding strand, the complement: COL5A2 is on the minus strand). VCF-style: chr2-189066733-T-G. GRCh37 (hg19) VCF-style: chr2-189931459-T-G.
Other names: short protein forms E484A.
Identifiers: ClinVar variation 2693483 (VCV002693483.3), dbSNP rs778752185, ClinGen allele CA349852242.